The following is an entry in ClinVar:

NM_000052.7(ATP7A):c.65G>A (p.Cys22Tyr)

Gene: ATP7A (ATPase copper transporting alpha; plus strand). Cytogenetic location: Xq21.1.
Variant type: single nucleotide variant.
Coding change: c.65G>A on transcript NM_000052.7 (MANE Select); coding-DNA position 65, G replaced by A.
Protein change: p.Cys22Tyr; replaces cysteine 22 with tyrosine.
Molecular consequence: missense variant. On other transcripts: non-coding transcript variant (1).
Genome position (GRCh38, 1-based): chrX:77,971,706, G>A. VCF-style: chrX-77971706-G-A. GRCh37 (hg19) VCF-style: chrX-77227203-G-A.
Other names: c.65G>A, p.Cys22Tyr (NM_001282224.2); short protein forms C22Y.
Identifiers: ClinVar variation 938980 (VCV000938980.10), dbSNP rs2077548143, ClinGen allele CA413597743.
Genomic context (GRCh38, chrX:77,971,706, plus strand): 5'-ATCCAAGTATGGGTGTGAATTCTGTTACCATTTCTGTTGAGGGTATGACTTGCAATTCCT[G>A]TGTTTGGACCATTGAGCAGCAGATTGGAAAAGTGAATGGTGTGCATCACATTAAGGTAAG-3'
Protein context (NP_000043.4, residues 12-32): ISVEGMTCNS[Cys22Tyr]VWTIEQQIGK

ClinVar aggregate classification (germline): Uncertain significance (1 of 4 stars; one submission).

Conditions:
X-linked distal spinal muscular atrophy type 3. Also called: SPINAL MUSCULAR ATROPHY, DISTAL, X-LINKED RECESSIVE; ATP7A-Related Distal Motor Neuropathy; NEURONOPATHY, DISTAL HEREDITARY MOTOR, X-LINKED; NEUROPATHY, DISTAL HEREDITARY MOTOR, X-LINKED. Identifiers: Orphanet 139557, MedGen C1845359, MONDO:0010338, OMIM 300489.
Menkes kinky-hair syndrome (MNK). Also called: Copper transport disease; Classic Menkes Disease; Menkes Disease. Identifiers: Orphanet 565, MedGen C0022716, MONDO:0010651, OMIM 309400.
Cutis laxa, X-linked (OHS). Also called: EDS IX; Occipital horn syndrome. Identifiers: Orphanet 198, MedGen C0268353, MONDO:0010572, OMIM 304150.

Submission:

Labcorp Genetics (formerly Invitae), Labcorp
Classification: Uncertain significance for X-linked distal spinal muscular atrophy type 3; Cutis laxa, X-linked; Menkes kinky-hair syndrome. Last evaluated: 2025-05-27. Review status: criteria provided, single submitter. Criteria: Invitae Variant Classification Sherloc (09022015). Collection method: clinical testing. Allele origin: germline.
Comment: This sequence change replaces cysteine, which is neutral and slightly polar, with tyrosine, which is neutral and polar, at codon 22 of the ATP7A protein (p.Cys22Tyr). This variant is not present in population databases (gnomAD no frequency). This variant has not been reported in the literature in individuals affected with ATP7A-related conditions. ClinVar contains an entry for this variant (Variation ID: 938980). Invitae Evidence Modeling of protein sequence and biophysical properties (such as structural, functional, and spatial information, amino acid conservation, physicochemical variation, residue mobility, and thermodynamic stability) has been performed for this missense variant. However, the output from this modeling did not meet the statistical confidence thresholds required to predict the impact of this variant on ATP7A protein function. In summary, the available evidence is currently insufficient to determine the role of this variant in disease. Therefore, it has been classified as a Variant of Uncertain Significance.